The following is an entry in ClinVar:

ClinVar aggregate classification (germline): Pathogenic (1 of 4 stars; one submission).

Conditions:
TELO2-related intellectual disability-neurodevelopmental disorder. Also called: You-Hoover-Fong syndrome. Identifiers: Orphanet 488642, MedGen C4310778, MONDO:0014848, OMIM 616954.

Submission:

Women's Health and Genetics/Laboratory Corporation of America, LabCorp
Classification: Pathogenic for TELO2-related intellectual disability-neurodevelopmental disorder. Last evaluated: 2024-07-24. Review status: criteria provided, single submitter. Criteria: LabCorp Variant Classification Summary - May 2015. Collection method: clinical testing. Allele origin: germline.
Comment: Variant summary: TELO2 c.1612_1621dup10 (p.Leu541ProfsX2) results in a premature termination codon, predicted to cause absence of the protein due to nonsense mediated decay, which is a commonly known mechanism for disease. The variant allele was found at a frequency of 1.8e-05 in 225986 control chromosomes. To our knowledge, no occurrence of c.1612_1621dup10 in individuals affected with TELO2-Related Intellectual Disability-Neurodevelopmental Disorder and no experimental evidence demonstrating its impact on protein function have been reported. No submitters have cited clinical-significance assessments for this variant to ClinVar. Based on the evidence outlined above, the variant was classified as pathogenic.

NM_016111.4(TELO2):c.1612_1621dup (p.Leu541delinsProTer)

Gene: TELO2 (telomere maintenance 2; plus strand). Cytogenetic location: 16p13.3.
Variant type: Duplication.
Coding change: c.1612_1621dup on transcript NM_016111.4 (MANE Select); coding-DNA positions 1612 to 1621, 10 bases duplicated (CTTGAGGGCC; older notation c.1612_1621dupCTTGAGGGCC).
Protein change: p.Leu541delinsProTer.
Molecular consequence: nonsense.
Genome position (GRCh38, 1-based): chr16:1,502,363-1,502,372, CTTGAGGGCC duplicated; duplicating any 10 consecutive bases within chr16:1,502,358-1,502,372 gives the same sequence; the c. name uses the placement nearest the transcript's 3' end. VCF-style (leftmost placement, unchanged base first): chr16-1502357-C-CGGGCCCTTGA. GRCh37 (hg19) VCF-style: chr16-1552358-C-CGGGCCCTTGA.
Other names: c.1612_1621dup, p.Leu541delinsProTer (NM_001351846.2); c.1612_1621dup10 (NM_016111.4).
Identifiers: ClinVar variation 3339339 (VCV003339339.1).